The following is an entry in ClinVar:

NM_001395413.1(POR):c.697del (p.Val233fs)

Gene: POR (cytochrome p450 oxidoreductase; plus strand). Cytogenetic location: 7q11.23.
Variant type: Deletion.
Coding change: c.697del on transcript NM_001395413.1 (MANE Select); coding-DNA position 697, one base deleted (G; older notation c.697delG).
Protein change: p.Val233fs; shifts the reading frame from valine 233.
Molecular consequence: frameshift variant.
Genome position (GRCh38, 1-based): chr7:75,981,581, G deleted; the last of 4 consecutive G bases (chr7:75,981,578-75,981,581); deleting any one gives the same sequence. VCF-style (leftmost placement, unchanged base first): chr7-75981577-TG-T. GRCh37 (hg19) VCF-style: chr7-75610895-TG-T.
Other names: c.706delG, p.Val236Trpfs (NM_000941.2, NM_000941.3); c.697del, p.Val233fs (NM_001367562.3, NM_001382657.2, NM_001382658.3 and 2 more transcripts); c.751del, p.Val251fs (NM_001382655.3); short protein forms V251fs, V233fs.
Identifiers: ClinVar variation 2695460 (VCV002695460.3), dbSNP rs2535382134, ClinGen allele CA2697557318.

ClinVar aggregate classification (germline): Pathogenic (1 of 4 stars; one submission).

Conditions:
Congenital adrenal hyperplasia due to cytochrome P450 oxidoreductase deficiency. Also called: DISORDERED STEROIDOGENESIS DUE TO POR DEFICIENCY. Identifiers: Orphanet 95699, MedGen C1860042, MONDO:0013310, OMIM 613571.

Submission:

Labcorp Genetics (formerly Invitae), Labcorp
Classification: Pathogenic for Congenital adrenal hyperplasia due to cytochrome P450 oxidoreductase deficiency. Last evaluated: 2023-11-13. Review status: criteria provided, single submitter. Criteria: Invitae Variant Classification Sherloc (09022015). Collection method: clinical testing. Allele origin: germline.
Comment: This sequence change creates a premature translational stop signal (p.Val236Trpfs*21) in the POR gene. It is expected to result in an absent or disrupted protein product. Loss-of-function variants in POR are known to be pathogenic (PMID: 14758361, 20732302, 21741353). This variant is not present in population databases (gnomAD no frequency). This variant has not been reported in the literature in individuals affected with POR-related conditions. For these reasons, this variant has been classified as Pathogenic.

Literature cited by the submitters: PubMed 14758361; PubMed 20732302; PubMed 21741353.